The following is an entry in ClinVar:

NM_005476.7(GNE):c.1124A>C (p.Lys375Thr)

Gene: GNE (glucosamine (UDP-N-acetyl)-2-epimerase/N-acetylmannosamine kinase; minus strand). Cytogenetic location: 9p13.3.
Variant type: single nucleotide variant.
Coding change: c.1124A>C on transcript NM_005476.7 (MANE Select); coding-DNA position 1124, A replaced by C.
Protein change: p.Lys375Thr; replaces lysine 375 with threonine.
Molecular consequence: missense variant.
Genome position (GRCh38, 1-based): chr9:36,227,405, T>G on the plus strand (A>C on the coding strand, the complement: GNE is on the minus strand). VCF-style: chr9-36227405-T-G. GRCh37 (hg19) VCF-style: chr9-36227402-T-G.
Other names: c.1217A>C, p.Lys406Thr (NM_001128227.3); c.1124A>C, p.Lys375Thr (NM_001190383.3); c.794A>C, p.Lys265Thr (NM_001190384.3); c.947A>C, p.Lys316Thr (NM_001190388.2, NM_001374798.1); c.971A>C, p.Lys324Thr (NM_001374797.1); short protein forms K265T, K316T, K324T, K375T, K406T.
Identifiers: ClinVar variation 1022828 (VCV001022828.8), dbSNP rs1828924556, ClinGen allele CA373429029.
Genomic context (GRCh38, chr9:36,227,405, plus strand): 5'-TTCTCCTTCACAGGAGGAAAGCAGAATTTCTTTTGCAGTGGCTCTTGAAGATCGATAGAT[T>G]TGAGAAACTTCAAAATCCTTGGAACAGCATTTCCATCCCCATATATCTTTGAACTGCAAT-3'
Protein context (NP_005467.1, residues 365-385): NAVPRILKFL[Lys375Thr]SIDLQEPLQK

ClinVar aggregate classification (germline): Uncertain significance (1 of 4 stars; one submission).

Conditions:
GNE myopathy (NM). Also called: IBM 2; Inclusion body myopathy autosomal recessive; Inclusion body myopathy quadriceps sparing; MYOPATHY, DISTAL, WITH OR WITHOUT RIMMED VACUOLES; NONAKA DISTAL MYOPATHY; INCLUSION BODY MYOPATHY, HEREDITARY, AUTOSOMAL RECESSIVE. Identifiers: Orphanet 602, MedGen C1853926, MONDO:0011603, OMIM 605820.
Sialuria. Also called: Sialic Acid Storage Disease; SIALURIA, FRENCH TYPE. Identifiers: Orphanet 3166, MedGen C0342853, MONDO:0010028, OMIM 269921.

Submission:

Labcorp Genetics (formerly Invitae), Labcorp
Classification: Uncertain significance for Sialuria; GNE myopathy. Last evaluated: 2023-08-30. Review status: criteria provided, single submitter. Criteria: Invitae Variant Classification Sherloc (09022015). Collection method: clinical testing. Allele origin: germline.
Comment: In summary, the available evidence is currently insufficient to determine the role of this variant in disease. Therefore, it has been classified as a Variant of Uncertain Significance. Advanced modeling of protein sequence and biophysical properties (such as structural, functional, and spatial information, amino acid conservation, physicochemical variation, residue mobility, and thermodynamic stability) has been performed at Invitae for this missense variant, however the output from this modeling did not meet the statistical confidence thresholds required to predict the impact of this variant on GNE protein function. ClinVar contains an entry for this variant (Variation ID: 1022828). This missense change has been observed in individual(s) with clinical features of GNE-related conditions (Invitae). This variant is not present in population databases (gnomAD no frequency). This sequence change replaces lysine, which is basic and polar, with threonine, which is neutral and polar, at codon 406 of the GNE protein (p.Lys406Thr).